The following is an entry in ClinVar:

ClinVar aggregate classification (germline): Uncertain significance (1 of 4 stars; one submission).

Conditions:
Anemia, nonspherocytic hemolytic, due to G6PD deficiency (CNSHA1). Also called: Hemolytic anemia due to G6PD deficiency; ANEMIA, CONGENITAL, NONSPHEROCYTIC HEMOLYTIC, 1; Class I glucose-6-phosphate dehydrogenase deficiency; Favism, susceptibility to. Identifiers: Orphanet 466026, MedGen C2720289, MONDO:0010480, OMIM 300908.

Submission:

Labcorp Genetics (formerly Invitae), Labcorp
Classification: Uncertain significance for Anemia, nonspherocytic hemolytic, due to G6PD deficiency. Last evaluated: 2024-02-16. Review status: criteria provided, single submitter. Criteria: Invitae Variant Classification Sherloc (09022015). Collection method: clinical testing. Allele origin: germline.
Comment: This sequence change replaces leucine, which is neutral and non-polar, with proline, which is neutral and non-polar, at codon 137 of the G6PD protein (p.Leu137Pro). This variant is not present in population databases (gnomAD no frequency). This missense change has been observed in individual(s) with clinical features of G6PD-related conditions (Invitae). Advanced modeling of protein sequence and biophysical properties (such as structural, functional, and spatial information, amino acid conservation, physicochemical variation, residue mobility, and thermodynamic stability) performed at Invitae indicates that this missense variant is expected to disrupt G6PD protein function with a positive predictive value of 95%. In summary, the available evidence is currently insufficient to determine the role of this variant in disease. Therefore, it has been classified as a Variant of Uncertain Significance.

NM_001360016.2(G6PD):c.410T>C (p.Leu137Pro)

Gene: G6PD (glucose-6-phosphate dehydrogenase; minus strand). Cytogenetic location: Xq28.
Variant type: single nucleotide variant.
Coding change: c.410T>C on transcript NM_001360016.2 (MANE Select); coding-DNA position 410, T replaced by C.
Protein change: p.Leu137Pro; replaces leucine 137 with proline.
Molecular consequence: missense variant.
Genome position (GRCh38, 1-based): chrX:154,535,243, A>G on the plus strand (T>C on the coding strand, the complement: G6PD is on the minus strand). VCF-style: chrX-154535243-A-G. GRCh37 (hg19) VCF-style: chrX-153763458-A-G.
Other names: c.500T>C, p.Leu167Pro (NM_000402.4); c.410T>C, p.Leu137Pro (NM_001042351.3); short protein forms L137P, L167P.
Identifiers: ClinVar variation 3641304 (VCV003641304.2).